The following is an entry in ClinVar:

ClinVar aggregate classification (germline): Likely benign. Review status: criteria provided, multiple submitters, no conflicts (2 of 4 stars). 3 submissions from 3 submitters: Likely benign (3). Last evaluated 2025-12-31.

Allele frequency attached by ClinVar (database versions not stated): ExAC 0.00008; gnomAD exomes 0.00010 and 0.00014; gnomAD 0.00012 and 0.00013; TOPMed 0.00013.
gnomAD v4.1: 228 of 1,583,812 alleles (0.014%); highest among the groups gnomAD compares: Non-Finnish European, 0.017%; no homozygotes.

Submissions (3):

Labcorp Genetics (formerly Invitae), Labcorp
Classification: Likely benign. Last evaluated: 2025-12-31. Review status: criteria provided, single submitter. Criteria: Invitae Variant Classification Sherloc (09022015). Collection method: clinical testing. Allele origin: germline.

Mayo Clinic Laboratories, Mayo Clinic
Classification: Likely benign. Last evaluated: 2025-04-30. Review status: criteria provided, single submitter. Criteria: ACMG Guidelines, 2015. Collection method: clinical testing. Allele origin: germline. Observed: 1 variant allele.
Comment: BP4, BP7

Blueprint Genetics
Classification: Likely benign. Last evaluated: 2024-09-10. Review status: criteria provided, single submitter. Criteria: ACMG Guidelines, 2015. Collection method: clinical testing. Allele origin: germline.

NM_001012339.3(DNAJC21):c.51G>A (p.Glu17=)

Genes: DNAJC21 (DnaJ heat shock protein family (Hsp40) member C21; plus strand), LOC129993792 (ATAC-STARR-seq lymphoblastoid silent region 15969; plus strand). Cytogenetic location: 5p13.2.
Variant type: single nucleotide variant.
Coding change: c.51G>A on transcript NM_001012339.3 (MANE Select); coding-DNA position 51, G replaced by A.
Protein change: p.Glu17=; no amino-acid change (glutamic acid 17 retained).
Molecular consequence: synonymous variant.
Genome position (GRCh38, 1-based): chr5:34,929,870, G>A. VCF-style: chr5-34929870-G-A. GRCh37 (hg19) VCF-style: chr5-34929975-G-A.
Other names: p.Glu17=; c.51G>A, p.Glu17= (NM_001348420.2, NM_194283.4).
Identifiers: ClinVar variation 717195 (VCV000717195.13), dbSNP rs769606764, ClinGen allele CA3228316.